The following is an entry in ClinVar:

ClinVar aggregate classification (germline): Uncertain significance. Review status: criteria provided, multiple submitters, no conflicts (2 of 4 stars). 2 submissions from 2 submitters: Uncertain significance (2). Last evaluated 2023-10-15.

Conditions:
Arrhythmogenic right ventricular dysplasia 13. Also called: Arrhythmogenic right ventricular dysplasia, familial, 13; ARRHYTHMOGENIC RIGHT VENTRICULAR CARDIOMYOPATHY 13. Identifiers: MedGen C3810138, MONDO:0000908, OMIM 615616.

Allele frequency attached by ClinVar (database versions not stated): gnomAD exomes below 0.00001 and 0.00001; ExAC 0.00001; gnomAD 0.00001; TOPMed 0.00002.
gnomAD v4.1: 12 of 1,611,768 alleles (0.00074%); highest among the groups gnomAD compares: Middle Eastern, 0.016%; no homozygotes.

Submissions (2):

Ambry Genetics
Classification: Uncertain significance. Last evaluated: 2023-10-15. Review status: criteria provided, single submitter. Criteria: Ambry Variant Classification Scheme 2023. Collection method: clinical testing. Allele origin: germline.
Comment: The p.E487K variant (also known as c.1459G>A), located in coding exon 10 of the CTNNA3 gene, results from a G to A substitution at nucleotide position 1459. The glutamic acid at codon 487 is replaced by lysine, an amino acid with similar properties. This amino acid position is conserved. In addition, the in silico prediction for this alteration is inconclusive. Since supporting evidence is limited at this time, the clinical significance of this alteration remains unclear.

Labcorp Genetics (formerly Invitae), Labcorp
Classification: Uncertain significance for Arrhythmogenic right ventricular dysplasia 13. Last evaluated: 2020-11-13. Review status: criteria provided, single submitter. Criteria: Invitae Variant Classification Sherloc (09022015). Collection method: clinical testing. Allele origin: germline.
Comment: In summary, the available evidence is currently insufficient to determine the role of this variant in disease. Therefore, it has been classified as a Variant of Uncertain Significance. Algorithms developed to predict the effect of missense changes on protein structure and function are either unavailable or do not agree on the potential impact of this missense change (SIFT: "Tolerated"; PolyPhen-2: "Possibly Damaging"; Align-GVGD: "Class C0"). This variant has not been reported in the literature in individuals with CTNNA3-related conditions. This variant is present in population databases (rs746514516, ExAC 0.001%). This sequence change replaces glutamic acid with lysine at codon 487 of the CTNNA3 protein (p.Glu487Lys). The glutamic acid residue is moderately conserved and there is a small physicochemical difference between glutamic acid and lysine.

NM_013266.4(CTNNA3):c.1459G>A (p.Glu487Lys)

Gene: CTNNA3 (catenin alpha 3; minus strand). Cytogenetic location: 10q21.3.
Variant type: single nucleotide variant.
Coding change: c.1459G>A on transcript NM_013266.4 (MANE Select); coding-DNA position 1459, G replaced by A.
Protein change: p.Glu487Lys; replaces glutamic acid 487 with lysine.
Molecular consequence: missense variant.
Genome position (GRCh38, 1-based): chr10:66,520,689, C>T on the plus strand (G>A on the coding strand, the complement: CTNNA3 is on the minus strand). VCF-style: chr10-66520689-C-T. GRCh37 (hg19) VCF-style: chr10-68280447-C-T.
Other names: c.1459G>A (NM_013266.2); c.1459G>A, p.Glu487Lys (NM_001127384.3); short protein forms E487K.
Identifiers: ClinVar variation 1428837 (VCV001428837.9), dbSNP rs746514516, ClinGen allele CA5519947.